The following is an entry in ClinVar:

NM_000329.3(RPE65):c.442G>A (p.Glu148Lys)

Gene: RPE65 (retinoid isomerohydrolase RPE65; minus strand). Cytogenetic location: 1p31.3.
Variant type: single nucleotide variant.
Coding change: c.442G>A on transcript NM_000329.3 (MANE Select); coding-DNA position 442, G replaced by A.
Protein change: p.Glu148Lys; replaces glutamic acid 148 with lysine.
Molecular consequence: missense variant.
Genome position (GRCh38, 1-based): chr1:68,444,584, C>T on the plus strand (G>A on the coding strand, the complement: RPE65 is on the minus strand). VCF-style: chr1-68444584-C-T. GRCh37 (hg19) VCF-style: chr1-68910267-C-T.
Other names: c.334G>A, p.Glu112Lys (NM_001406853.1); c.166G>A, p.Glu56Lys (NM_001406856.1, NM_001406857.1); c.442G>A, p.Glu148Lys (NM_001406859.1, NM_001406860.1); short protein forms E112K, E148K, E56K.
Identifiers: ClinVar variation 3629545 (VCV003629545.2).

ClinVar aggregate classification (germline): Likely pathogenic (1 of 4 stars; one submission).

Conditions:
Leber congenital amaurosis (LCA). Also called: Leber's amaurosis. Identifiers: Orphanet 65, MedGen C0339527, MeSH D057130, MONDO:0018998.

Submission:

Women's Health and Genetics/Laboratory Corporation of America, LabCorp
Classification: Likely pathogenic for Leber congenital amaurosis. Last evaluated: 2024-11-26. Review status: criteria provided, single submitter. Criteria: LabCorp Variant Classification Summary - May 2015. Collection method: clinical testing. Allele origin: germline.
Comment: Variant summary: RPE65 c.442G>A (p.Glu148Lys) results in a conservative amino acid change in the encoded protein sequence. Four of five in-silico tools predict a damaging effect of the variant on protein function. The variant was absent in 251432 control chromosomes (gnomAD). c.442G>A has been reported in the literature in homozygous individuals affected with Leber Congenital Amaurosis (Janossy_2023). These data indicate that the variant is likely to be associated with disease. To our knowledge, no experimental evidence demonstrating an impact on protein function has been reported. The following publication has been ascertained in the context of this evaluation (PMID: 37901629). No submitters have cited clinical-significance assessments for this variant to ClinVar. Based on the evidence outlined above, the variant was classified as likely pathogenic.

Literature cited by the submitters: PubMed 37901629.